The following is an entry in ClinVar:

NM_005546.4(ITK):c.1342C>G (p.Arg448Gly)

Gene: ITK (IL2 inducible T cell kinase; plus strand). Cytogenetic location: 5q33.3.
Variant type: single nucleotide variant.
Coding change: c.1342C>G on transcript NM_005546.4 (MANE Select); coding-DNA position 1342, C replaced by G.
Protein change: p.Arg448Gly; replaces arginine 448 with glycine.
Molecular consequence: missense variant.
Genome position (GRCh38, 1-based): chr5:157,244,371, C>G. VCF-style: chr5-157244371-C-G. GRCh37 (hg19) VCF-style: chr5-156671381-C-G.
Other names: short protein forms R448G.
Identifiers: ClinVar variation 2013805 (VCV002013805.4), dbSNP rs143652027, ClinGen allele CA361961573.

ClinVar aggregate classification (germline): Uncertain significance (1 of 4 stars; one submission).

Conditions:
Lymphoproliferative syndrome 1 (LPFS1). Identifiers: Orphanet 238505, Orphanet 538963, MedGen C3552634, MONDO:0013081, OMIM 613011.

Submission:

Labcorp Genetics (formerly Invitae), Labcorp
Classification: Uncertain significance for Lymphoproliferative syndrome 1. Last evaluated: 2024-02-17. Review status: criteria provided, single submitter. Criteria: Invitae Variant Classification Sherloc (09022015). Collection method: clinical testing. Allele origin: germline.
Comment: This sequence change replaces arginine, which is basic and polar, with glycine, which is neutral and non-polar, at codon 448 of the ITK protein (p.Arg448Gly). This variant is not present in population databases (gnomAD no frequency). This variant has not been reported in the literature in individuals affected with ITK-related conditions. ClinVar contains an entry for this variant (Variation ID: 2013805). Advanced modeling of protein sequence and biophysical properties (such as structural, functional, and spatial information, amino acid conservation, physicochemical variation, residue mobility, and thermodynamic stability) has been performed at Invitae for this missense variant, however the output from this modeling did not meet the statistical confidence thresholds required to predict the impact of this variant on ITK protein function. In summary, the available evidence is currently insufficient to determine the role of this variant in disease. Therefore, it has been classified as a Variant of Uncertain Significance.